The following is an entry in ClinVar:

NM_181712.5(KANK4):c.2557C>T (p.His853Tyr)

Gene: KANK4 (KN motif and ankyrin repeat domains 4; minus strand). Cytogenetic location: 1p31.3.
Variant type: single nucleotide variant.
Coding change: c.2557C>T on transcript NM_181712.5 (MANE Select); coding-DNA position 2557, C replaced by T.
Protein change: p.His853Tyr; replaces histidine 853 with tyrosine.
Molecular consequence: missense variant.
Genome position (GRCh38, 1-based): chr1:62,253,192, G>A on the plus strand (C>T on the coding strand, the complement: KANK4 is on the minus strand). VCF-style: chr1-62253192-G-A. GRCh37 (hg19) VCF-style: chr1-62718864-G-A.
Other names: c.673C>T, p.His225Tyr (NM_001320269.2); short protein forms H225Y, H853Y.
Identifiers: ClinVar variation 3052847 (VCV003052847.4), dbSNP rs149058627, ClinGen allele CA884043.

ClinVar aggregate classification (germline): Uncertain significance. Review status: criteria provided, multiple submitters, no conflicts (2 of 4 stars). 3 submissions from 3 submitters: Uncertain significance (2). 1 of the submissions does not count toward it. Last evaluated 2025-06-24.

Conditions:
KANK4-related disorder. Also called: KANK4-related condition.

Allele frequency attached by ClinVar (database versions not stated): gnomAD exomes 0.00004; ExAC 0.00015; ESP Exome Variant Server 0.00031; gnomAD 0.00050; TOPMed 0.00052; 1000 Genomes Project 30x 0.00094; 1000 Genomes Project 0.00100.

Submissions (3):

Ambry Genetics
Classification: Uncertain significance. Last evaluated: 2025-06-24. Review status: criteria provided, single submitter. Criteria: Ambry Variant Classification Scheme 2023. Collection method: clinical testing. Allele origin: germline.

Labcorp Genetics (formerly Invitae), Labcorp
Classification: Uncertain significance. Last evaluated: 2025-06-13. Review status: criteria provided, single submitter. Criteria: Invitae Variant Classification Sherloc (09022015). Collection method: clinical testing. Allele origin: germline.
Comment: This sequence change replaces histidine, which is basic and polar, with tyrosine, which is neutral and polar, at codon 853 of the KANK4 protein (p.His853Tyr). This variant is present in population databases (rs149058627, gnomAD 0.2%), and has an allele count higher than expected for a pathogenic variant. This variant has not been reported in the literature in individuals affected with KANK4-related conditions. ClinVar contains an entry for this variant (Variation ID: 3052847). An algorithm developed to predict the effect of missense changes on protein structure and function (PolyPhen-2) suggests that this variant is likely to be tolerated. In summary, the available evidence is currently insufficient to determine the role of this variant in disease. Therefore, it has been classified as a Variant of Uncertain Significance.

PreventionGenetics, part of Exact Sciences
Classification: Likely benign for KANK4-related condition. Last evaluated: 2022-02-23. Review status: no assertion criteria provided. Collection method: clinical testing. Allele origin: germline. Not counted in ClinVar's aggregate classification.
Comment: This variant is classified as likely benign based on ACMG/AMP sequence variant interpretation guidelines (Richards et al. 2015 PMID: 25741868, with internal and published modifications).